The following is an entry in ClinVar:

NC_000020.10:g.(?_3205137)_(3209744_?)del

Gene: SLC4A11 (solute carrier family 4 member 11; minus strand). Cytogenetic location: 20p13.
Variant type: Deletion.
Identifiers: ClinVar variation 3248354 (VCV003248354.1).

ClinVar aggregate classification (germline): Likely pathogenic (1 of 4 stars; one submission).

Submission:

Labcorp Genetics (formerly Invitae), Labcorp
Classification: Likely pathogenic. Last evaluated: 2019-04-10. Review status: criteria provided, single submitter. Criteria: Invitae Variant Classification Sherloc (09022015). Collection method: clinical testing. Allele origin: unknown.
Comment: In summary, the currently available evidence indicates that the variant is pathogenic, but additional data are needed to prove that conclusively. Therefore, this variant has been classified as Likely Pathogenic. This variant disrupts the p.Arg755 amino acid residue in SLC4A11. Other variant(s) that disrupt this residue have been determined to be pathogenic (PMID: 17397048, 17679935, 18474783). This suggests that this residue is clinically significant, and that variants that disrupt this residue are likely to be disease-causing. This variant has not been reported in the literature in individuals with SLC4A11-related conditions. This variant is a deletion of the genomic region encompassing 16-19 and part of exon 15 (c.2063_*3296del) of the SLC4A11 gene. While this is not anticipated to result in nonsense mediated decay, it likely alters RNA splicing and results in a disrupted protein product.

Literature cited by the submitters: PubMed 17397048; PubMed 17679935; PubMed 18474783.